The following is an entry in ClinVar:

NM_001134363.3(RBM20):c.*417G>A

Gene: RBM20 (RNA binding motif protein 20; plus strand). Cytogenetic location: 10q25.2.
Variant type: single nucleotide variant.
Coding change: c.*417G>A on transcript NM_001134363.3 (MANE Select); 417 bases downstream of the stop codon, G replaced by A.
Molecular consequence: 3 prime UTR variant.
Genome position (GRCh38, 1-based): chr10:110,836,395, G>A. VCF-style: chr10-110836395-G-A. GRCh37 (hg19) VCF-style: chr10-112596153-G-A.
Other names: c.*417G>A (LRG_382t1).
Identifiers: ClinVar variation 298809 (VCV000298809.5), dbSNP rs77569236, ClinGen allele CA10634592.

ClinVar aggregate classification (germline): Likely benign (1 of 4 stars; one submission).

Conditions:
Dilated cardiomyopathy 1DD (CMD1DD). Identifiers: Orphanet 154, MedGen C2750995, MONDO:0013168, OMIM 613172.

Allele frequency attached by ClinVar (database versions not stated): gnomAD exomes 0.00157; gnomAD 0.00703 and 0.00822; TOPMed 0.00787; 1000 Genomes Project 0.01897; 1000 Genomes Project 30x 0.02108.
gnomAD v4.1: 1,236 of 153,630 alleles (0.8%); highest among the groups gnomAD compares: South Asian, 4.7%; 18 homozygotes.

Submission:

Illumina Laboratory Services, Illumina
Classification: Likely benign for Dilated cardiomyopathy 1DD. Last evaluated: 2018-01-13. Review status: criteria provided, single submitter. Criteria: ICSL Variant Classification Criteria 13 December 2019. Collection method: clinical testing. Allele origin: germline.
Comment: This variant was observed in the ICSL laboratory as part of a predisposition screen in an ostensibly healthy population. It had not been previously curated by ICSL or reported in the Human Gene Mutation Database (HGMD: prior to June 1st, 2018), and was therefore a candidate for classification through an automated scoring system. Utilizing variant allele frequency, disease prevalence and penetrance estimates, and inheritance mode, an automated score was calculated to assess if this variant is too frequent to cause the disease. Based on the score and internal cut-off values, a variant classified as likely benign is not then subjected to further curation. The score for this variant resulted in a classification of likely benign for this disease.